The following is an entry in ClinVar:

ClinVar aggregate classification (germline): Pathogenic. Review status: criteria provided, multiple submitters, no conflicts (2 of 4 stars). 10 submissions from 10 submitters: Pathogenic (7). 3 of the submissions do not count toward it. Last evaluated 2026-02-12.

Conditions:
Hb SS disease (SCD). Also called: Hemoglobin SS; Sickle cell anemia; Sickle cell disease; HbS disease; Hemoglobin S Disease; Sickling disorder due to hemoglobin S. Identifiers: Orphanet 232, Orphanet 275752, MedGen C0002895, MONDO:0011382, OMIM 603903.
Heinz body anemia. Also called: Heinz body hemolytic anemia. Identifiers: Orphanet 178330, MedGen C0700299, MONDO:0007705, OMIM 140700, HP:0005511.
Dominant beta-thalassemia. Also called: Beta-thalassemia, dominant inclusion body type. Identifiers: Orphanet 231226, Orphanet 848, MedGen C1858990, MONDO:0011381, OMIM 603902.
Beta-thalassemia HBB/LCRB. Identifiers: MedGen CN322236, MONDO:0013517, OMIM 613985.
Erythrocytosis, familial, 6. Also called: POLYCYTHEMIA, BETA-GLOBIN TYPE; ERYTHROCYTOSIS, BETA-GLOBIN TYPE. Identifiers: MedGen C4693822, MONDO:0054801, OMIM 617980.
METHEMOGLOBINEMIA, BETA TYPE. Also called: Methemoglobinemia, beta-globin type. Identifiers: MedGen C1840779, OMIM 617971.
Malaria, susceptibility to. Identifiers: Orphanet 673, MedGen C1970028, MONDO:0021024, OMIM 611162.
Hereditary persistence of fetal hemoglobin. Identifiers: MedGen C0019025, MONDO:0020989, OMIM 141749.
beta Thalassemia (BTHAL). Also called: Cooley's anemia; Erythroblastic anemia; Mediterranean anemia. Identifiers: Orphanet 848, MedGen C0005283, MONDO:0019402. Disease mechanism: loss of function.
BETA-PLUS-THALASSEMIA. Identifiers: MedGen C3841475.

Allele frequency attached by ClinVar (database versions not stated): TOPMed 0.00006.
gnomAD v4.1: 2 of 1,612,226 alleles (0.00012%); highest among the groups gnomAD compares: Admixed American, 0.0017%; no homozygotes.

Submissions (10):

GeneDx
Classification: Pathogenic. Last evaluated: 2026-02-12. Review status: criteria provided, single submitter. Criteria: GeneDx Variant Classification Process June 2021. Collection method: clinical testing. Allele origin: germline.
Comment: Observed in homozygous state in patients with beta-thalassemia intermedia in the literature and not observed in homozygous state in controls (PMID: 3021139, 28366028); Intronic variant directly or indirectly altering the +5 splice site in a gene for which loss of function is a known mechanism of disease, and splice predictors support a deleterious effect; Not observed at significant frequency in large population cohorts (gnomAD); This variant is associated with the following publications: (PMID: 3671081, 22975760, 25525159, 3021139, 23348723, 28366028, 31286593)

Natera, Inc.
Classification: Pathogenic for Beta thalassemia. Last evaluated: 2025-08-27. Review status: criteria provided, single submitter. Criteria: Natera Variant Classification Schema (03/2026). Collection method: clinical testing. Allele origin: germline.
Comment: The c.92+5G>A variant in HBB is an intronic variant located outside the canonical splice sites. This variant is rare in the general population with a frequency below the threshold expected for the associated phenotype(s). This variant has been observed in one or more individuals affected with the associated recessive disease, as either homozygous or compound heterozygous with a second variant (PMID: 3021139, 24828949). Given the available evidence, this variant is classified as Pathogenic.

ARUP Laboratories, Molecular Genetics and Genomics, ARUP Laboratories
Classification: Pathogenic. Last evaluated: 2025-06-23. Review status: criteria provided, single submitter. Criteria: ARUP Molecular Germline Variant Investigation Process 2024. Collection method: clinical testing. Allele origin: germline.
Comment: The HBB c.92+5G>A variant (rs33915217, HbVar ID: 822), also known as IVS-I-5 (G->A), is reported in the literature in multiple individuals affected with severe beta(+) thalassemia (Lapoumeroulie 1987, Muniz 2000, Perea 2004, HbVar database and references therein). This variant is listed in ClinVar (Variation ID: 15449), and is only observed on one allele in the Genome Aggregation Database, indicating it is not a common polymorphism. This is an intronic variant in a moderately conserved nucleotide, and computational analyses (Alamut v.2.11) predict that this variant may impact splicing by weakening the nearby canonical donor splice site. Functional studies indicate that the variant causes aberrant splicing of the HBB RNA, leading to reduced production of full-length transcripts (Lapoumeroulie 1987). Based on the above information, the variant is classified as pathogenic. References: Link to HbVar database: Lapoumeroulie C et al. Expression of a beta thalassemia gene with abnormal splicing. Nucleic Acids Res. 1987 15(20):8195-204. PMID: 3671081. Muniz A et al. Beta-thalassaemia in Cubans: novel allele increases the genetic diversity at the HBB locus in the Caribbean. Am J Hematol. 2000 64(1):7-14. PMID: 10815781. Perea F et al. Molecular spectrum of beta-thalassemia in the Mexican population. Blood Cells Mol Dis. 2004 33(2):150-2. PMID: 15315794.

3billion
Classification: Pathogenic for Beta-thalassemia HBB/LCRB. Last evaluated: 2025-04-20. Review status: criteria provided, single submitter. Criteria: ACMG Guidelines, 2015. Collection method: clinical testing. Allele origin: germline. Affected: yes.
Comment: The variant is observed at an extremely low frequency in the gnomAD v4.1.0 dataset (total allele frequency: <0.001%). Predicted Consequence/Location: Intron variant: previously reported to alter splicing from an in vitro assay and reduce expression level of the gene (PMID: 3671081). In silico tools predict the variant to alter splicing and produce an abnormal transcript [SpliceAI: 0.76 (spliceogenicity >=0.2, non-spliceogenicity <0.1)]. The variant has been reported to be in trans with a pathogenic variant as either compound heterozygous or homozygous in at least one similarly affected unrelated individual (3billion dataset). The variant has been reported at least twice as pathogenic with clinical assertions and evidence for the classification (ClinVar ID: VCV000015449 / PMID: 3021139 / 3billion dataset).Therefore, this variant is classified as Pathogenic according to the recommendation of ACMG/AMP guideline.

Women's Health and Genetics/Laboratory Corporation of America, LabCorp
Classification: Pathogenic for beta Thalassemia. Last evaluated: 2025-03-05. Review status: criteria provided, single submitter. Criteria: LabCorp Variant Classification Summary - May 2015. Collection method: clinical testing. Allele origin: germline.
Comment: Variant summary: HBB c.92+5G>A alters a non-conserved nucleotide located close to a canonical splice site and therefore could affect mRNA splicing, leading to a significantly altered protein sequence. Several computational tools predict a significant impact on normal splicing: Two predict the variant abolishes a canonical 5' splicing donor site. One predict the variant weakens a canonical 5' donor site. At least one publication reports experimental evidence that this variant affects mRNA splicing (Lapoumeroulie_1987). The variant allele was found at a frequency of 8e-06 in 251344 control chromosomes. c.92+5G>A has been reported in the literature in multiple individuals affected with Beta Thalassemia (example: Lapoumeroulie_1986, Fattoum_1991, Oner_1990, Muniz_2000, Perea_2004, Vrettou_2004). These data indicate that the variant is very likely to be associated with disease. The following publications have been ascertained in the context of this evaluation (PMID: 1917531, 2200760, 3021139, 11857746, 15108284, 10815781, 3671081, 15315794). ClinVar contains an entry for this variant (Variation ID: 15449). Based on the evidence outlined above, the variant was classified as pathogenic.

Fulgent Genetics
Classification: Pathogenic for Heinz body anemia; Hereditary persistence of fetal hemoglobin; Dominant beta-thalassemia; Hb SS disease; Malaria, susceptibility to; Beta-thalassemia HBB/LCRB; METHEMOGLOBINEMIA, BETA TYPE; Erythrocytosis, familial, 6. Last evaluated: 2024-04-25. Review status: criteria provided, single submitter. Criteria: ACMG Guidelines, 2015. Collection method: clinical testing. Allele origin: germline.

Labcorp Genetics (formerly Invitae), Labcorp
Classification: Pathogenic. Last evaluated: 2023-05-24. Review status: criteria provided, single submitter. Criteria: Invitae Variant Classification Sherloc (09022015). Collection method: clinical testing. Allele origin: germline.
Comment: Variants that disrupt the consensus splice site are a relatively common cause of aberrant splicing (PMID: 17576681, 9536098). Studies have shown that this variant alters mRNA splicing and is expected to lead to the loss of protein expression (PMID: 3671081). This variant disrupts the c.92+5G nucleotide in the HBB gene. Other variant(s) that disrupt this nucleotide have been determined to be pathogenic (PMID: 6188062, 18294253, 19000664, 22392582, 23162295, 27263053). This suggests that this nucleotide is clinically significant, and that variants that disrupt this position are likely to be disease-causing. For these reasons, this variant has been classified as Pathogenic. ClinVar contains an entry for this variant (Variation ID: 15449). This variant is also known as IVS-1-5 (G>A) or IVS-I-5. This variant has been observed in individuals with beta thalassemia (PMID: 1917531, 2200760, 3021139, 23590658, 28366028; 10815781.). This variant is present in population databases (rs33915217, gnomAD 0.0009%). This sequence change falls in intron 1 of the HBB gene. It does not directly change the encoded amino acid sequence of the HBB protein. It affects a nucleotide within the consensus splice site.

The ITHANET community portal, The Cyprus Institute of Neurology and Genetics
Classification: Pathogenic for beta Thalassemia. Last evaluated: 2019-11-25. Review status: no assertion criteria provided. Collection method: curation. Allele origin: germline. Not counted in ClinVar's aggregate classification.

Counsyl
Classification: Likely pathogenic for beta Thalassemia. Last evaluated: 2014-08-06. Review status: no assertion criteria provided. Collection method: literature only. Allele origin: unknown. Inheritance: Autosomal recessive inheritance. Not counted in ClinVar's aggregate classification.

OMIM
Classification: Pathogenic for BETA-PLUS-THALASSEMIA. Last evaluated: 1986-09-14. Review status: no assertion criteria provided. Collection method: literature only. Allele origin: germline. Not counted in ClinVar's aggregate classification.

Literature cited by the submitters: PubMed 3021139 (cited by 7 submitters); PubMed 24828949 (cited by Natera, Inc.); PubMed 3671081 (cited by 4 submitters); PubMed 1917531 (cited by 3 submitters); PubMed 2200760 (cited by 3 submitters); PubMed 11857746 (cited by Women's Health and Genetics/Laboratory Corporation of America, LabCorp); PubMed 15108284 (cited by Women's Health and Genetics/Laboratory Corporation of America, LabCorp); PubMed 10815781 (cited by 3 submitters); PubMed 15315794 (cited by Women's Health and Genetics/Laboratory Corporation of America, LabCorp and Counsyl); PubMed 17576681 (cited by Labcorp Genetics (formerly Invitae), Labcorp); PubMed 9536098 (cited by Labcorp Genetics (formerly Invitae), Labcorp); PubMed 6188062 (cited by Labcorp Genetics (formerly Invitae), Labcorp); PubMed 18294253 (cited by Labcorp Genetics (formerly Invitae), Labcorp); PubMed 19000664 (cited by Labcorp Genetics (formerly Invitae), Labcorp); PubMed 22392582 (cited by Labcorp Genetics (formerly Invitae), Labcorp); PubMed 23162295 (cited by Labcorp Genetics (formerly Invitae), Labcorp); PubMed 27263053 (cited by Labcorp Genetics (formerly Invitae), Labcorp); PubMed 23590658 (cited by Labcorp Genetics (formerly Invitae), Labcorp and Counsyl); PubMed 28366028 (cited by Labcorp Genetics (formerly Invitae), Labcorp); PubMed 22975760 (cited by Counsyl).

NM_000518.5(HBB):c.92+5G>A

Genes: HBB (hemoglobin subunit beta; minus strand), LOC106099062 (HBB recombination region; plus strand), LOC107133510 (origin of replication at HBB; plus strand). Cytogenetic location: 11p15.4.
Variant type: single nucleotide variant.
Coding change: c.92+5G>A on transcript NM_000518.5 (MANE Select); 5 bases into the intron after coding-DNA position 92, G replaced by A.
Molecular consequence: intron variant.
Genome position (GRCh38, 1-based): chr11:5,226,925, C>T on the plus strand (G>A on the coding strand, the complement: HBB is on the minus strand). VCF-style: chr11-5226925-C-T. GRCh37 (hg19) VCF-style: chr11-5248155-C-T.
Other names: IVS I-5 (G>A); IVS1, G-A, +5.
Identifiers: ClinVar variation 15449 (VCV000015449.112), dbSNP rs33915217, ClinGen allele CA125312.
Genomic context (GRCh38, chr11:5,226,925, plus strand): 5'-CTCTGTCTCCACATGCCCAGTTTCTATTGGTCTCCTTAAACCTGTCTTGTAACCTTGATA[C>T]CAACCTGCCCAGGGCCTCACCACCAACTTCATCCACGTTCACCTTGCCCCACAGGGCAGT-3'